The following is an entry in ClinVar:

NM_001164508.2(NEB):c.128A>C (p.Glu43Ala)

Gene: NEB (nebulin; minus strand). Cytogenetic location: 2q23.3.
Variant type: single nucleotide variant.
Coding change: c.128A>C on transcript NM_001164508.2 (MANE Select); coding-DNA position 128, A replaced by C.
Protein change: p.Glu43Ala; replaces glutamic acid 43 with alanine.
Molecular consequence: missense variant.
Genome position (GRCh38, 1-based): chr2:151,727,857, T>G on the plus strand (A>C on the coding strand, the complement: NEB is on the minus strand). VCF-style: chr2-151727857-T-G. GRCh37 (hg19) VCF-style: chr2-152584371-T-G.
Other names: c.128A>C, p.Glu43Ala (NM_001164507.2, NM_001271208.2, NM_004543.5); short protein forms E43A.
Identifiers: ClinVar variation 842093 (VCV000842093.11), dbSNP rs752660824, ClinGen allele CA348795699.

ClinVar aggregate classification (germline): Uncertain significance. Review status: criteria provided, single submitter (1 of 4 stars). 2 submissions from 2 submitters: Uncertain significance (1). 1 of the submissions does not count toward it. Last evaluated 2023-12-11.

Conditions:
Nemaline myopathy 2 (NEM2). Also called: Nemaline myopathy 2, autosomal recessive. Identifiers: MedGen C1850569, MONDO:0009725, OMIM 256030.

Allele frequency attached by ClinVar (database versions not stated): TOPMed 0.00001.
gnomAD v4.1: 1 of 1,613,144 alleles (0.000062%); highest among the groups gnomAD compares: Admixed American, 0.0017%; no homozygotes.

Submissions (2):

Labcorp Genetics (formerly Invitae), Labcorp
Classification: Uncertain significance for Nemaline myopathy 2. Last evaluated: 2023-12-11. Review status: criteria provided, single submitter. Criteria: Invitae Variant Classification Sherloc (09022015). Collection method: clinical testing. Allele origin: germline.
Comment: This sequence change replaces glutamic acid, which is acidic and polar, with alanine, which is neutral and non-polar, at codon 43 of the NEB protein (p.Glu43Ala). This variant is not present in population databases (gnomAD no frequency). This variant has not been reported in the literature in individuals affected with NEB-related conditions. ClinVar contains an entry for this variant (Variation ID: 842093). Experimental studies and prediction algorithms are not available or were not evaluated, and the functional significance of this variant is currently unknown. In summary, the available evidence is currently insufficient to determine the role of this variant in disease. Therefore, it has been classified as a Variant of Uncertain Significance.

Natera, Inc.
Classification: Uncertain significance for Nemaline myopathy type 2. Last evaluated: 2020-10-10. Review status: no assertion criteria provided. Collection method: clinical testing. Allele origin: germline. Not counted in ClinVar's aggregate classification.